The following is an entry in ClinVar:

NM_013262.4(MYLIP):c.1115G>A (p.Arg372Gln)

Gene: MYLIP (myosin regulatory light chain interacting protein; plus strand). Cytogenetic location: 6p22.3.
Variant type: single nucleotide variant.
Coding change: c.1115G>A on transcript NM_013262.4 (MANE Select); coding-DNA position 1115, G replaced by A.
Protein change: p.Arg372Gln; replaces arginine 372 with glutamine.
Molecular consequence: missense variant.
Genome position (GRCh38, 1-based): chr6:16,145,184, G>A. VCF-style: chr6-16145184-G-A. GRCh37 (hg19) VCF-style: chr6-16145415-G-A.
Other names: short protein forms R372Q.
Identifiers: ClinVar variation 3652456 (VCV003652456.2).

ClinVar aggregate classification (germline): Uncertain significance (1 of 4 stars; one submission).

gnomAD v4.1: 351 of 1,614,040 alleles (0.022%); highest among the groups gnomAD compares: Non-Finnish European, 0.028%; no homozygotes.

Submission:

Labcorp Genetics (formerly Invitae), Labcorp
Classification: Uncertain significance. Last evaluated: 2024-12-27. Review status: criteria provided, single submitter. Criteria: Invitae Variant Classification Sherloc (09022015). Collection method: clinical testing. Allele origin: germline.
Comment: This sequence change replaces arginine, which is basic and polar, with glutamine, which is neutral and polar, at codon 372 of the MYLIP protein (p.Arg372Gln). This variant is present in population databases (rs150756832, gnomAD 0.02%). This missense change has been observed in individual(s) with dyslipidemia (PMID: 32041611). An algorithm developed to predict the effect of missense changes on protein structure and function (PolyPhen-2) suggests that this variant is likely to be tolerated. In summary, the available evidence is currently insufficient to determine the role of this variant in disease. Therefore, it has been classified as a Variant of Uncertain Significance.

Literature cited by the submitters: PubMed 32041611.